The following is an entry in ClinVar:

NM_001845.6(COL4A1):c.4058A>G (p.Asp1353Gly)

Gene: COL4A1 (collagen type IV alpha 1 chain; minus strand). Cytogenetic location: 13q34.
Variant type: single nucleotide variant.
Coding change: c.4058A>G on transcript NM_001845.6 (MANE Select); coding-DNA position 4058, A replaced by G.
Protein change: p.Asp1353Gly; replaces aspartic acid 1353 with glycine.
Molecular consequence: missense variant.
Genome position (GRCh38, 1-based): chr13:110,164,954, T>C on the plus strand (A>G on the coding strand, the complement: COL4A1 is on the minus strand). VCF-style: chr13-110164954-T-C. GRCh37 (hg19) VCF-style: chr13-110817301-T-C.
Other names: c.4058A>G (NM_001845.4); short protein forms D1353G.
Identifiers: ClinVar variation 2167548 (VCV002167548.15), dbSNP rs138553193, ClinGen allele CA7047030.

ClinVar aggregate classification (germline): Conflicting classifications of pathogenicity. Review status: criteria provided, conflicting classifications (1 of 4 stars). 5 submissions from 5 submitters: Uncertain significance (2); Likely benign (3). Last evaluated 2026-07-01.

Conditions:
Inborn genetic diseases. Identifiers: MedGen C0950123, MeSH D030342.

Allele frequency attached by ClinVar (database versions not stated): gnomAD 0.00005; gnomAD exomes 0.00006; ExAC 0.00007; TOPMed 0.00009; 1000 Genomes Project 0.00020; 1000 Genomes Project 30x 0.00031.
gnomAD v4.1: 89 of 1,604,674 alleles (0.0055%); highest among the groups gnomAD compares: Middle Eastern, 0.017%; 1 homozygote.

Submissions (5):

CeGaT Center for Human Genetics Tuebingen
Classification: Likely benign. Last evaluated: 2026-07-01. Review status: criteria provided, single submitter. Criteria: CeGaT Center For Human Genetics Tuebingen Variant Classification Criteria Version 2. Collection method: clinical testing. Allele origin: germline. Affected: yes. Observed: 2 variant alleles.
Comment: COL4A1: BP4

Labcorp Genetics (formerly Invitae), Labcorp
Classification: Uncertain significance. Last evaluated: 2025-12-06. Review status: criteria provided, single submitter. Criteria: Invitae Variant Classification Sherloc (09022015). Collection method: clinical testing. Allele origin: germline.
Comment: This sequence change replaces aspartic acid, which is acidic and polar, with glycine, which is neutral and non-polar, at codon 1353 of the COL4A1 protein (p.Asp1353Gly). This variant is present in population databases (rs138553193, gnomAD 0.008%). This variant has not been reported in the literature in individuals affected with COL4A1-related conditions. ClinVar contains an entry for this variant (Variation ID: 2167548). Invitae Evidence Modeling of protein sequence and biophysical properties (such as structural, functional, and spatial information, amino acid conservation, physicochemical variation, residue mobility, and thermodynamic stability) indicates that this missense variant is not expected to disrupt COL4A1 protein function with a negative predictive value of 95%. In summary, the available evidence is currently insufficient to determine the role of this variant in disease. Therefore, it has been classified as a Variant of Uncertain Significance.

GeneDx
Classification: Uncertain significance. Last evaluated: 2024-12-23. Review status: criteria provided, single submitter. Criteria: GeneDx Variant Classification Process June 2021. Collection method: clinical testing. Allele origin: germline. Affected: yes.
Comment: In silico analysis indicates that this missense variant does not alter protein structure/function; Has not been previously published as pathogenic or benign to our knowledge

Blueprint Genetics
Classification: Likely benign. Last evaluated: 2023-10-25. Review status: criteria provided, single submitter. Criteria: ACMG Guidelines, 2015. Collection method: clinical testing. Allele origin: germline.

Ambry Genetics
Classification: Likely benign for Inborn genetic diseases. Last evaluated: 2023-06-29. Review status: criteria provided, single submitter. Criteria: Ambry Variant Classification Scheme 2023. Collection method: clinical testing. Allele origin: germline.